The following is an entry in ClinVar:

ClinVar aggregate classification (germline): Uncertain significance. Review status: criteria provided, single submitter (1 of 4 stars). 2 submissions from 2 submitters: Uncertain significance (1). 1 of the submissions does not count toward it. Last evaluated 2023-04-07.

Conditions:
EIF3F-related disorder. Also called: EIF3F-related condition.

Allele frequency attached by ClinVar (database versions not stated): gnomAD exomes 0.00005; ExAC 0.00025; ESP Exome Variant Server 0.00069; gnomAD 0.00093; TOPMed 0.00097; 1000 Genomes Project 30x 0.00156; 1000 Genomes Project 0.00160.

Submissions (2):

GeneDx
Classification: Uncertain significance. Last evaluated: 2023-04-07. Review status: criteria provided, single submitter. Criteria: GeneDx Variant Classification Process June 2021. Collection method: clinical testing. Allele origin: germline. Affected: yes.
Comment: In silico analysis supports that this missense variant does not alter protein structure/function; Has not been previously published as pathogenic or benign to our knowledge

PreventionGenetics, part of Exact Sciences
Classification: Likely benign for EIF3F-related condition. Last evaluated: 2024-03-14. Review status: no assertion criteria provided. Collection method: clinical testing. Allele origin: germline. Not counted in ClinVar's aggregate classification.
Comment: This variant is classified as likely benign based on ACMG/AMP sequence variant interpretation guidelines (Richards et al. 2015 PMID: 25741868, with internal and published modifications).

NM_003754.3(EIF3F):c.719C>T (p.Ala240Val)

Gene: EIF3F (eukaryotic translation initiation factor 3 subunit F; plus strand). Cytogenetic location: 11p15.4.
Variant type: single nucleotide variant.
Coding change: c.719C>T on transcript NM_003754.3 (MANE Select); coding-DNA position 719, C replaced by T.
Protein change: p.Ala240Val; replaces alanine 240 with valine.
Molecular consequence: missense variant.
Genome position (GRCh38, 1-based): chr11:7,994,491, C>T. VCF-style: chr11-7994491-C-T. GRCh37 (hg19) VCF-style: chr11-8016038-C-T.
Other names: short protein forms A240V.
Identifiers: ClinVar variation 2663599 (VCV002663599.3), dbSNP rs145163086, ClinGen allele CA5870637.
Genomic context (GRCh38, chr11:7,994,491, plus strand): 5'-TAATGGGAGTCCCTGGGAGGACCATGGGAGTGATGTTCACGCCTCTGACAGTGAAATACG[C>T]GTACTACGACACTGAACGCATCGGAGGTGAGTAACCTTTCCATACACTCGCGAGAGGCCA-3'
Protein context (NP_003745.1, residues 230-250): VMFTPLTVKY[Ala240Val]YYDTERIGVD